The following is an entry in ClinVar:

ClinVar aggregate classification (germline): Uncertain significance (1 of 4 stars; one submission).

Conditions:
Hyper-IgE recurrent infection syndrome 1, autosomal dominant. Also called: STAT3 Hyper IgE Syndrome; Hyper-IgE recurrent infection syndrome 1; JOB SYNDROME; Job's Syndrome; HYPER-IgE SYNDROME 1, AUTOSOMAL DOMINANT, WITH RECURRENT INFECTIONS. Identifiers: Orphanet 2314, MedGen C2936739, MONDO:0007818, OMIM 147060.
STAT3 gain of function. Identifiers: MedGen C4288261.

gnomAD v4.1: 31 of 1,614,110 alleles (0.0019%); highest among the groups gnomAD compares: Non-Finnish European, 0.0025%; no homozygotes.

Submission:

Labcorp Genetics (formerly Invitae), Labcorp
Classification: Uncertain significance for STAT3 gain of function; Hyper-IgE recurrent infection syndrome 1, autosomal dominant. Last evaluated: 2025-10-29. Review status: criteria provided, single submitter. Criteria: Invitae Variant Classification Sherloc (09022015). Collection method: clinical testing. Allele origin: germline.
Comment: This sequence change replaces alanine, which is neutral and non-polar, with valine, which is neutral and non-polar, at codon 376 of the STAT3 protein (p.Ala376Val). This variant is present in population databases (rs373083464, gnomAD 0.002%). This variant has not been reported in the literature in individuals affected with STAT3-related conditions. ClinVar contains an entry for this variant (Variation ID: 3750158). Invitae Evidence Modeling of protein sequence and biophysical properties (such as structural, functional, and spatial information, amino acid conservation, physicochemical variation, residue mobility, and thermodynamic stability) indicates that this missense variant is not expected to disrupt STAT3 protein function with a negative predictive value of 80%. Algorithms developed to predict the effect of sequence changes on RNA splicing suggest that this variant may disrupt the consensus splice site. In summary, the available evidence is currently insufficient to determine the role of this variant in disease. Therefore, it has been classified as a Variant of Uncertain Significance.

NM_139276.3(STAT3):c.1127C>T (p.Ala376Val)

Gene: STAT3 (signal transducer and activator of transcription 3; minus strand). Cytogenetic location: 17q21.2.
Variant type: single nucleotide variant.
Coding change: c.1127C>T on transcript NM_139276.3 (MANE Select); coding-DNA position 1127, C replaced by T.
Protein change: p.Ala376Val; replaces alanine 376 with valine.
Molecular consequence: missense variant.
Genome position (GRCh38, 1-based): chr17:42,329,759, G>A on the plus strand (C>T on the coding strand, the complement: STAT3 is on the minus strand). VCF-style: chr17-42329759-G-A. GRCh37 (hg19) VCF-style: chr17-40481777-G-A.
Other names: c.1142C>T, p.Ala381Val (NM_001384990.1, NM_001384986.1); c.1127C>T, p.Ala376Val (NM_001384991.1, NM_001384993.1, NM_003150.4 and 12 more transcripts); c.1067C>T, p.Ala356Val (NM_001384992.1); c.1049C>T, p.Ala350Val (NM_001384985.1); c.1031C>T, p.Ala344Val (NM_001384989.1); short protein forms A344V, A350V, A356V, A376V, A381V.
Identifiers: ClinVar variation 3750158 (VCV003750158.2).